The following is an entry in ClinVar:

NM_017872.5(THG1L):c.527G>A (p.Arg176Gln)

Gene: THG1L (tRNA-histidine guanylyltransferase 1 like; plus strand). Cytogenetic location: 5q33.3.
Variant type: single nucleotide variant.
Coding change: c.527G>A on transcript NM_017872.5 (MANE Select); coding-DNA position 527, G replaced by A.
Protein change: p.Arg176Gln; replaces arginine 176 with glutamine.
Molecular consequence: missense variant.
Genome position (GRCh38, 1-based): chr5:157,734,734, G>A. VCF-style: chr5-157734734-G-A. GRCh37 (hg19) VCF-style: chr5-157161742-G-A.
Other names: c.131G>A, p.Arg44Gln (NM_001317824.2); c.152G>A, p.Arg51Gln (NM_001317825.2); c.341G>A, p.Arg114Gln (NM_001317826.2); c.527G>A (NM_017872.3); short protein forms R114Q, R176Q, R44Q, R51Q.
Identifiers: ClinVar variation 1700739 (VCV001700739.6), dbSNP rs751177549, ClinGen allele CA3536468.

ClinVar aggregate classification (germline): Uncertain significance. Review status: criteria provided, multiple submitters, no conflicts (2 of 4 stars). 3 submissions from 3 submitters: Uncertain significance (3). Last evaluated 2026-03-02.

Conditions:
Spinocerebellar ataxia, autosomal recessive 28. Identifiers: MedGen C5394101, MONDO:0032923, OMIM 618800.
Inborn genetic diseases. Identifiers: MedGen C0950123, MeSH D030342.

Allele frequency attached by ClinVar (database versions not stated): gnomAD 0.00002 and 0.00003; ExAC 0.00004; TOPMed 0.00002.
gnomAD v4.1: 63 of 1,613,974 alleles (0.0039%); highest among the groups gnomAD compares: East Asian, 0.036%; no homozygotes.

Submissions (3):

Institute of Human Genetics, University of Leipzig Medical Center
Classification: Uncertain significance for Spinocerebellar ataxia, autosomal recessive 28. Last evaluated: 2026-03-02. Review status: criteria provided, single submitter. Criteria: ACMG Guidelines, 2015. Collection method: clinical testing. Allele origin: maternal. Inheritance: Autosomal recessive inheritance. Affected: yes.
Comment: Criteria applied: PM2,PM3,PP3

GeneDx
Classification: Uncertain significance. Last evaluated: 2022-11-30. Review status: criteria provided, single submitter. Criteria: GeneDx Variant Classification Process June 2021. Collection method: clinical testing. Allele origin: germline. Affected: yes.
Comment: In silico analysis supports that this missense variant has a deleterious effect on protein structure/function; Has not been previously published as pathogenic or benign to our knowledge

Ambry Genetics
Classification: Uncertain significance for Inborn genetic diseases. Last evaluated: 2022-11-08. Review status: criteria provided, single submitter. Criteria: Ambry Variant Classification Scheme 2023. Collection method: clinical testing. Allele origin: germline.